The following is an entry in ClinVar:

ClinVar aggregate classification (germline): Uncertain significance (1 of 4 stars; one submission).

Conditions:
Progressive sclerosing poliodystrophy (MTDPS4A). Also called: Mitochondrial DNA depletion syndrome 4A (Alpers type); Alpers Syndrome; ALPERS DIFFUSE DEGENERATION OF CEREBRAL GRAY MATTER WITH HEPATIC CIRRHOSIS; Mitochondrial DNA Depletion Syndrome 4A; Alpers-Huttenlocher Syndrome (AHS); ALPERS PROGRESSIVE INFANTILE POLIODYSTROPHY. Identifiers: Orphanet 726, MedGen C0205710, MONDO:0008758, OMIM 203700.

Allele frequency attached by ClinVar (database versions not stated): gnomAD exomes 0.00005 and 0.00002; gnomAD 0.00002 and 0.00003; TOPMed 0.00002; ExAC 0.00003.
gnomAD v4.1: 80 of 1,607,736 alleles (0.005%); highest among the groups gnomAD compares: Middle Eastern, 0.016%; no homozygotes.

Submission:

Labcorp Genetics (formerly Invitae), Labcorp
Classification: Uncertain significance for Progressive sclerosing poliodystrophy. Last evaluated: 2025-10-02. Review status: criteria provided, single submitter. Criteria: Invitae Variant Classification Sherloc (09022015). Collection method: clinical testing. Allele origin: germline.
Comment: This sequence change replaces arginine, which is basic and polar, with cysteine, which is neutral and slightly polar, at codon 722 of the POLG protein (p.Arg722Cys). This variant is present in population databases (rs763824242, gnomAD 0.004%). This variant has not been reported in the literature in individuals affected with POLG-related conditions. ClinVar contains an entry for this variant (Variation ID: 405578). Invitae Evidence Modeling of protein sequence and biophysical properties (such as structural, functional, and spatial information, amino acid conservation, physicochemical variation, residue mobility, and thermodynamic stability) indicates that this missense variant is not expected to disrupt POLG protein function with a negative predictive value of 95%. In summary, the available evidence is currently insufficient to determine the role of this variant in disease. Therefore, it has been classified as a Variant of Uncertain Significance.

NM_002693.3(POLG):c.2164C>T (p.Arg722Cys)

Gene: POLG (DNA polymerase gamma, catalytic subunit; minus strand). Cytogenetic location: 15q26.1.
Variant type: single nucleotide variant.
Coding change: c.2164C>T on transcript NM_002693.3 (MANE Select); coding-DNA position 2164, C replaced by T.
Protein change: p.Arg722Cys; replaces arginine 722 with cysteine.
Molecular consequence: missense variant.
Genome position (GRCh38, 1-based): chr15:89,323,505, G>A on the plus strand (C>T on the coding strand, the complement: POLG is on the minus strand). VCF-style: chr15-89323505-G-A. GRCh37 (hg19) VCF-style: chr15-89866736-G-A.
Other names: c.2164C>T, p.Arg722Cys (NM_001126131.2); short protein forms R722C.
Identifiers: ClinVar variation 405578 (VCV000405578.8), dbSNP rs763824242, ClinGen allele CA7724557.